The following is an entry in ClinVar:

ClinVar aggregate classification (germline): Conflicting classifications of pathogenicity. Review status: criteria provided, conflicting classifications (1 of 4 stars). 5 submissions from 5 submitters: Uncertain significance (1); Benign (1); Likely benign (3). Last evaluated 2025-12-04.

Conditions:
Marinesco-Sjögren syndrome (MSS). Also called: Marinesco-SjÃ¶gren syndrome; Marinesco-Sjogren Syndrome. Identifiers: Orphanet 559, MedGen C0024814, MONDO:0009567, OMIM 248800.

Allele frequency attached by ClinVar (database versions not stated): ESP Exome Variant Server 0.00031; TOPMed 0.00032; gnomAD exomes 0.00037 and 0.00060; gnomAD 0.00038 and 0.00040; ExAC 0.00072.
gnomAD v4.1: 901 of 1,585,182 alleles (0.057%); highest among the groups gnomAD compares: Non-Finnish European, 0.073%; 1 homozygote.

Submissions (5):

Labcorp Genetics (formerly Invitae), Labcorp
Classification: Likely benign for Marinesco-Sjögren syndrome. Last evaluated: 2025-12-04. Review status: criteria provided, single submitter. Criteria: Invitae Variant Classification Sherloc (09022015). Collection method: clinical testing. Allele origin: germline.

CeGaT Center for Human Genetics Tuebingen
Classification: Likely benign. Last evaluated: 2025-08-01. Review status: criteria provided, single submitter. Criteria: CeGaT Center For Human Genetics Tuebingen Variant Classification Criteria Version 2. Collection method: clinical testing. Allele origin: germline. Affected: yes. Observed: 4 variant alleles.
Comment: SIL1: BP4, BP7

Athena Diagnostics
Classification: Benign. Last evaluated: 2024-05-15. Review status: criteria provided, single submitter. Criteria: Athena Diagnostics Criteria. Collection method: clinical testing. Allele origin: unknown.

GeneDx
Classification: Likely benign. Last evaluated: 2019-10-01. Review status: criteria provided, single submitter. Criteria: GeneDx Variant Classification Process June 2021. Collection method: clinical testing. Allele origin: germline. Affected: yes.

Illumina Laboratory Services, Illumina
Classification: Uncertain significance for Marinesco-Sjögren syndrome. Last evaluated: 2018-01-12. Review status: criteria provided, single submitter. Criteria: ICSL Variant Classification Criteria 13 December 2019. Collection method: clinical testing. Allele origin: germline.

NM_022464.5(SIL1):c.933G>A (p.Gly311=)

Gene: SIL1 (SIL1 nucleotide exchange factor; minus strand). Cytogenetic location: 5q31.2.
Variant type: single nucleotide variant.
Coding change: c.933G>A on transcript NM_022464.5 (MANE Select); coding-DNA position 933, G replaced by A.
Protein change: p.Gly311=; no amino-acid change (glycine 311 retained).
Molecular consequence: synonymous variant.
Genome position (GRCh38, 1-based): chr5:138,951,267, C>T on the plus strand (G>A on the coding strand, the complement: SIL1 is on the minus strand). VCF-style: chr5-138951267-C-T. GRCh37 (hg19) VCF-style: chr5-138286956-C-T.
Other names: c.933G>A, p.Gly311= (NM_001037633.2).
Identifiers: ClinVar variation 351077 (VCV000351077.39), dbSNP rs61744666, ClinGen allele CA3432438.